The following is an entry in ClinVar:

ClinVar aggregate classification (germline): Uncertain significance. Review status: criteria provided, multiple submitters, no conflicts (2 of 4 stars). 2 submissions from 2 submitters: Uncertain significance (2). Last evaluated 2022-02-09.

Conditions:
Spastic paraplegia. Identifiers: MedGen C0037772, HP:0001258.

Allele frequency attached by ClinVar (database versions not stated): gnomAD exomes 0.00002; ExAC 0.00003; gnomAD 0.00001 and 0.00003; ESP Exome Variant Server 0.00008; TOPMed 0.00003.
gnomAD v4.1: 24 of 1,613,574 alleles (0.0015%); highest among the groups gnomAD compares: South Asian, 0.0088%; no homozygotes.

Submissions (3):

Labcorp Genetics (formerly Invitae), Labcorp
Classification: Uncertain significance for Spastic paraplegia. Last evaluated: 2022-02-09. Review status: criteria provided, single submitter. Criteria: Invitae Variant Classification Sherloc (09022015). Collection method: clinical testing. Allele origin: germline.
Comment: This sequence change falls in intron 5 of the ERLIN2 gene. It does not directly change the encoded amino acid sequence of the ERLIN2 protein. It affects a nucleotide within the consensus splice site. This variant is present in population databases (rs368268528, gnomAD 0.003%). This variant has not been reported in the literature in individuals affected with ERLIN2-related conditions. ClinVar contains an entry for this variant (Variation ID: 1163479). Variants that disrupt the consensus splice site are a relatively common cause of aberrant splicing (PMID: 17576681, 9536098). Algorithms developed to predict the effect of sequence changes on RNA splicing suggest that this variant may disrupt the consensus splice site. In summary, the available evidence is currently insufficient to determine the role of this variant in disease. Therefore, it has been classified as a Variant of Uncertain Significance.

Mayo Clinic Laboratories, Mayo Clinic
Classification: Uncertain significance. Last evaluated: 2020-02-28. Review status: criteria provided, single submitter. Criteria: ACMG Guidelines, 2015. Collection method: clinical testing. Allele origin: germline. Observed: 1 variant allele.

Dr. Peter K. Rogan Lab, Western University
No classification provided (evidence only). Condition: Squamous cell carcinoma of the head and neck. Review status: no classification provided. Collection method: in vitro. Allele origin: not applicable. Functional consequence: skipped exon, retained intron. Not counted in ClinVar's aggregate classification.

Literature cited by the submitters: PubMed 17576681 (cited by Labcorp Genetics (formerly Invitae), Labcorp); PubMed 9536098 (cited by Labcorp Genetics (formerly Invitae), Labcorp).

NM_007175.8(ERLIN2):c.298+5G>A

Gene: ERLIN2 (ER lipid raft associated 2; plus strand). Cytogenetic location: 8p11.23.
Variant type: single nucleotide variant.
Coding change: c.298+5G>A on transcript NM_007175.8 (MANE Select); 5 bases into the intron after coding-DNA position 298, G replaced by A.
Molecular consequence: intron variant.
Genome position (GRCh38, 1-based): chr8:37,744,421, G>A. VCF-style: chr8-37744421-G-A. GRCh37 (hg19) VCF-style: chr8-37601939-G-A.
Other names: c.298+5G>A (NM_001362878.2, NM_001362880.2, NM_001003790.4 and 1 more transcripts).
Identifiers: ClinVar variation 1163479 (VCV001163479.7), dbSNP rs368268528, ClinGen allele CA4710666.